The following is an entry in ClinVar:

ClinVar aggregate classification (germline): Conflicting classifications of pathogenicity. Review status: criteria provided, conflicting classifications (1 of 4 stars). 5 submissions from 5 submitters: Uncertain significance (1); Likely benign (4). Last evaluated 2025-10-29.

Conditions:
Pyogenic arthritis-pyoderma gangrenosum-acne syndrome (PAPA). Also called: PAPA SYNDROME; FAMILIAL RECURRENT ARTHRITIS. Identifiers: Orphanet 69126, MedGen C1858361, MONDO:0011462, OMIM 604416.

Allele frequency attached by ClinVar (database versions not stated): TOPMed 0.00008; gnomAD 0.00013 and 0.00015; ExAC 0.00020; gnomAD exomes 0.00001 and 0.00003.
gnomAD v4.1: 50 of 1,559,804 alleles (0.0032%); highest among the groups gnomAD compares: East Asian, 0.034%; 2 homozygotes.

Submissions (5):

Labcorp Genetics (formerly Invitae), Labcorp
Classification: Likely benign for Pyogenic arthritis-pyoderma gangrenosum-acne syndrome. Last evaluated: 2025-10-29. Review status: criteria provided, single submitter. Criteria: Invitae Variant Classification Sherloc (09022015). Collection method: clinical testing. Allele origin: germline.

Blueprint Genetics
Classification: Likely benign. Last evaluated: 2024-11-27. Review status: criteria provided, single submitter. Criteria: ACMG Guidelines, 2015. Collection method: clinical testing. Allele origin: germline.

ARUP Laboratories, Molecular Genetics and Genomics, ARUP Laboratories
Classification: Likely benign for Pyogenic arthritis-pyoderma gangrenosum-acne syndrome. Last evaluated: 2024-03-18. Review status: criteria provided, single submitter. Criteria: ARUP Molecular Germline Variant Investigation Process 2024. Collection method: clinical testing. Allele origin: germline.

Genetics and Molecular Pathology, SA Pathology
Classification: Likely benign for Pyogenic arthritis-pyoderma gangrenosum-acne syndrome. Last evaluated: 2020-11-09. Review status: criteria provided, single submitter. Criteria: ACMG Guidelines, 2015. Collection method: clinical testing. Allele origin: germline. Inheritance: Autosomal dominant inheritance. Affected: yes.

GeneDx
Classification: Uncertain significance. Last evaluated: 2016-02-11. Review status: criteria provided, single submitter. Criteria: GeneDx Variant Classification (06012015). Collection method: clinical testing. Allele origin: germline. Affected: yes.
Comment: The c.355-16 C>G variant has not been published as a pathogenic variant, nor has it been reported as a benign variant to our knowledge. The variant was not observed in approximately 6,000 individuals of European and African American ancestry in the NHLBI Exome Sequencing Project, indicating it is not a common benign variant in these populations. Several in-silico splice prediction models predict that c.355-16 C>G damages the natural splice acceptor site in intron 5 and leads to abnormal gene splicing. However, in the absence of RNA/functional studies, the actual effect of this sequence change is unknown. Therefore, based on the currently available information, it is unclear whether this variant is a pathogenic variant or a rare benign variant.

NM_003978.5(PSTPIP1):c.355-16C>G

Gene: PSTPIP1 (proline-serine-threonine phosphatase interacting protein 1; plus strand). Cytogenetic location: 15q24.3.
Variant type: single nucleotide variant.
Coding change: c.355-16C>G on transcript NM_003978.5 (MANE Select); 16 bases into the intron before coding-DNA position 355, C replaced by G.
Molecular consequence: intron variant.
Genome position (GRCh38, 1-based): chr15:77,027,836, C>G. VCF-style: chr15-77027836-C-G. GRCh37 (hg19) VCF-style: chr15-77320177-C-G.
Other names: c.550-16C>G (NM_001321137.1); c.328-16C>G (NM_001321136.2); c.355-16C>G (NM_001321135.2, LRG_172t1).
Identifiers: ClinVar variation 246329 (VCV000246329.21), dbSNP rs767272289, ClinGen allele CA7675801.